The following is an entry in ClinVar:

ClinVar aggregate classification (germline): Uncertain significance (1 of 4 stars; one submission).

Submission:

GeneDx
Classification: Uncertain significance. Last evaluated: 2023-04-22. Review status: criteria provided, single submitter. Criteria: GeneDx Variant Classification Process June 2021. Collection method: clinical testing. Allele origin: germline. Affected: yes.
Comment: In-frame deletion of 1 amino acid in a non-repeat region; Not observed at significant frequency in large population cohorts (gnomAD); In silico analysis supports that this variant does not alter protein structure/function; Has not been previously published as pathogenic or benign to our knowledge

NM_003024.3(ITSN1):c.2978_2980dup (p.Val993_Ala994insVal)

Gene: ITSN1 (intersectin 1; plus strand). Cytogenetic location: 21q22.11.
Variant type: Duplication.
Coding change: c.2978_2980dup on transcript NM_003024.3 (MANE Select); coding-DNA positions 2978 to 2980, 3 bases duplicated (TAG; older notation c.2978_2980dupTAG).
Protein change: p.Val993_Ala994insVal.
Molecular consequence: inframe insertion.
Genome position (GRCh38, 1-based): chr21:33,819,285-33,819,287, TAG duplicated; duplicating any 3 consecutive bases within chr21:33,819,283-33,819,287 gives the same sequence; the c. name uses the placement nearest the transcript's 3' end. VCF-style (leftmost placement, unchanged base first): chr21-33819282-G-GAGT. GRCh37 (hg19) VCF-style: chr21-35191586-G-GAGT.
Other names: c.2978_2980dup, p.Val993_Ala994insVal (NM_001001132.2, NM_001331008.2); c.2963_2965dup, p.Val988_Ala989insVal (NM_001331009.2, NM_001331010.2, NM_001331011.2); c.2852_2854dup, p.Val951_Ala952insVal (NM_001331012.2).
Identifiers: ClinVar variation 2663658 (VCV002663658.1), dbSNP rs2518103381, ClinGen allele CA2695201439.
Genomic context (GRCh38, chr21:33,819,282, plus strand): 5'-TCTTCTTCCATTATTGCAGCATGGATTCTGGTTCTTCAGAGAGTCCTGCTAGTCTAAAGC[G>GAGT]AGTAGCCTCTCCAGCAGCCAAGCCGGTCGTTTCGGGAGAAGGTGAGGGCCTGAGTTGTAT-3'